The following is an entry in ClinVar:

NM_000038.6(APC):c.7869A>G (p.Thr2623=)

Gene: APC (APC regulator of Wnt signaling pathway; plus strand). Cytogenetic location: 5q22.2.
Variant type: single nucleotide variant.
Coding change: c.7869A>G on transcript NM_000038.6 (MANE Select); coding-DNA position 7869, A replaced by G.
Protein change: p.Thr2623=; no amino-acid change (threonine 2623 retained).
Molecular consequence: synonymous variant.
Genome position (GRCh38, 1-based): chr5:112,843,463, A>G. VCF-style: chr5-112843463-A-G. GRCh37 (hg19) VCF-style: chr5-112179160-A-G.
Other names: c.7869A>G, p.Thr2623= (NM_001127510.3, NM_001354895.2); c.7815A>G, p.Thr2605= (NM_001127511.3); c.7923A>G, p.Thr2641= (NM_001354896.2); c.7899A>G, p.Thr2633= (NM_001354897.2); c.7794A>G, p.Thr2598= (NM_001354898.2); c.7785A>G, p.Thr2595= (NM_001354899.2); c.7746A>G, p.Thr2582= (NM_001354900.2); c.7692A>G, p.Thr2564= (NM_001354901.2); and 5 more.
Identifiers: ClinVar variation 630833 (VCV000630833.18), dbSNP rs775126492, ClinGen allele CA446210925.

ClinVar aggregate classification (germline): Conflicting classifications of pathogenicity. Review status: criteria provided, conflicting classifications (1 of 4 stars). 6 submissions from 6 submitters: Uncertain significance (1); Benign (1); Likely benign (3). 1 of the submissions does not count toward it. Last evaluated 2025-07-14.

Conditions:
Familial adenomatous polyposis 1 (FAP1). Also called: FAMILIAL ADENOMATOUS POLYPOSIS 1, ATTENUATED; POLYPOSIS, ADENOMATOUS INTESTINAL. Identifiers: MedGen C2713442, MONDO:0021056, OMIM 175100. Disease mechanism: loss of function.
Carcinoma of colon (CRC). Also called: Colon carcinoma; Colonic carcinoma. Identifiers: MedGen C0699790, MONDO:0002032.
Hereditary cancer-predisposing syndrome. Also called: Hereditary neoplastic syndrome; Tumor predisposition; Neoplastic Syndromes, Hereditary; Hereditary Cancer Syndrome. Identifiers: Orphanet 140162, MedGen C0027672, MeSH D009386, MONDO:0015356.

gnomAD v4.1: 1 of 1,614,000 alleles (0.000062%); highest among the groups gnomAD compares: Non-Finnish European, 0.000085%; no homozygotes.

Submissions (6):

Labcorp Genetics (formerly Invitae), Labcorp
Classification: Likely benign for Familial adenomatous polyposis 1. Last evaluated: 2025-07-14. Review status: criteria provided, single submitter. Criteria: Invitae Variant Classification Sherloc (09022015). Collection method: clinical testing. Allele origin: germline.

Myriad Genetics, Inc.
Classification: Benign for Familial adenomatous polyposis 1. Last evaluated: 2024-04-11. Review status: criteria provided, single submitter. Criteria: Myriad Autosomal Dominant, Autosomal Recessive and X-Linked Classification Criteria (2023). Collection method: clinical testing. Allele origin: unknown.
Comment: This variant is considered benign. This variant is a silent/synonymous amino acid change and it is not expected to impact splicing.

Quest Diagnostics Nichols Institute San Juan Capistrano
Classification: Uncertain significance. Last evaluated: 2022-10-18. Review status: criteria provided, single submitter. Criteria: Quest Diagnostics criteria. Collection method: clinical testing. Allele origin: unknown.
Comment: To the best of our knowledge, the variant has not been reported in the published literature. It also has not been reported in large, multi-ethnic general populations. Analysis of this variant using software algorithms for the prediction of the effect of nucleotide changes on splicing yielded predictions that this variant does not affect APC mRNA splicing. Based on the available information, we are unable to determine the clinical significance of this variant.

Ambry Genetics
Classification: Likely benign for Hereditary cancer-predisposing syndrome. Last evaluated: 2018-08-24. Review status: criteria provided, single submitter. Criteria: Ambry Variant Classification Scheme 2023. Collection method: clinical testing. Allele origin: germline.

Color Diagnostics, LLC DBA Color Health
Classification: Likely benign for Hereditary cancer-predisposing syndrome. Last evaluated: 2017-11-20. Review status: criteria provided, single submitter. Criteria: ACMG Guidelines, 2015. Collection method: clinical testing. Allele origin: germline.

Department of Pathology and Laboratory Medicine, Sinai Health System
Classification: Uncertain significance for Carcinoma of colon. Review status: no assertion criteria provided. Collection method: clinical testing. Allele origin: unknown. Affected: yes. Study: The Canadian Open Genetics Repository (COGR). Not counted in ClinVar's aggregate classification.
Comment: The APC p.Thr2623= variant was not identified in the literature nor was it identified in the dbSNP, LOVD 3.0, or UMD-LSDB, databases. The variant was only identified in ClinVar (classified as likely benign by Color). The variant was not identified in the following control databases: the Exome Aggregation Consortium (August 8th 2016), or the Genome Aggregation Database (Feb 27, 2017). The p.Thr2623= variant is not expected to have clinical significance because it does not result in a change of amino acid and is not located in a known consensus splice site. The variant occurs outside of the splicing consensus sequence and 1 of 4 in silico or computational prediction software programs (SpliceSiteFinder, MaxEntScan, NNSPLICE, GeneSplicer) predict a greater than 10% difference in splicing; this is not very predictive of pathogenicity. In summary, based on the above information the clinical significance of this variant cannot be determined with certainty at this time. This variant is classified as a variant of uncertain significance.